The following is an entry in ClinVar:

NM_001378615.1(CC2D2A):c.1537T>A (p.Trp513Arg)

Genes: CC2D2A (coiled-coil and C2 domain containing 2A; plus strand), FBXL5 (F-box and leucine rich repeat protein 5; minus strand). Cytogenetic location: 4p15.32.
Variant type: single nucleotide variant.
Coding change: c.1537T>A on transcript NM_001378615.1 (MANE Select); coding-DNA position 1537, T replaced by A.
Protein change: p.Trp513Arg; replaces tryptophan 513 with arginine.
Molecular consequence: missense variant.
Genome position (GRCh38, 1-based): chr4:15,533,263, T>A. VCF-style: chr4-15533263-T-A. GRCh37 (hg19) VCF-style: chr4-15534886-T-A.
Other names: c.1537T>A, p.Trp513Arg (NM_001080522.2); c.1390T>A, p.Trp464Arg (NM_001378617.1); short protein forms W513R, W464R.
Identifiers: ClinVar variation 56298 (VCV000056298.2), dbSNP rs386833746, ClinGen allele CA144213.
Genomic context (GRCh38, chr4:15,533,263, plus strand): 5'-AAATTCCGTGATGCTGAACAAGAAAAAGATAGAACATTGCTTAAGACTATCATAAAAGTT[T>A]GGAAAGAGATGAAATCCCTTCGAGAGTTCCAGAGATTTACAAATACTCCCTTGAAACTTG-3'
Protein context (NP_001365544.1, residues 503-523): RTLLKTIIKV[Trp513Arg]KEMKSLREFQ

ClinVar aggregate classification (germline): Likely pathogenic (0 of 4 stars; one submission).

Conditions:
Meckel syndrome, type 6. Identifiers: Orphanet 564, MedGen C2676790, MONDO:0012848, OMIM 612284.

Submission:

Juha Muilu Group; Institute for Molecular Medicine Finland (FIMM)
Classification: Likely pathogenic for Meckel syndrome, type 6. Review status: no assertion criteria provided. Collection method: not provided. Allele origin: unknown.
Comment: FinDis database variant: This variant was not found or characterized by our laboratory, data were collected from public sources: see reference
ClinVar note: Converted during submission from probable-pathogenic to Likely pathogenic.